The following is an entry in ClinVar:

NM_002432.3(MNDA):c.751G>A (p.Val251Ile)

Gene: MNDA (myeloid cell nuclear differentiation antigen; plus strand). Cytogenetic location: 1q23.1.
Variant type: single nucleotide variant.
Coding change: c.751G>A on transcript NM_002432.3 (MANE Select); coding-DNA position 751, G replaced by A.
Protein change: p.Val251Ile; replaces valine 251 with isoleucine.
Molecular consequence: missense variant.
Genome position (GRCh38, 1-based): chr1:158,845,767, G>A. VCF-style: chr1-158845767-G-A. GRCh37 (hg19) VCF-style: chr1-158815557-G-A.
Other names: short protein forms V251I.
Identifiers: ClinVar variation 1759325 (VCV001759325.2), dbSNP rs1009209640, ClinGen allele CA31306169.

ClinVar aggregate classification (germline): Uncertain significance (1 of 4 stars; one submission).

Submission:

Ambry Genetics
Classification: Uncertain significance. Last evaluated: 2022-02-16. Review status: criteria provided, single submitter. Criteria: Ambry Variant Classification Scheme 2023. Collection method: clinical testing. Allele origin: germline.
Comment: The p.V251I variant (also known as c.751G>A), located in coding exon 4 of the MNDA gene, results from a G to A substitution at nucleotide position 751. The valine at codon 251 is replaced by isoleucine, an amino acid with highly similar properties. This amino acid position is conserved. In addition, this alteration is predicted to be tolerated by in silico analysis. Since supporting evidence is limited at this time, the clinical significance of this alteration remains unclear.